The following is an entry in ClinVar:

ClinVar aggregate classification (germline): Uncertain significance (1 of 4 stars; one submission).

Allele frequency attached by ClinVar (database versions not stated): gnomAD exomes below 0.00001; ExAC 0.00001.
gnomAD v4.1: 2 of 1,613,276 alleles (0.00012%); highest among the groups gnomAD compares: Admixed American, 0.0017%; no homozygotes.

Submission:

Labcorp Genetics (formerly Invitae), Labcorp
Classification: Uncertain significance. Last evaluated: 2021-11-12. Review status: criteria provided, single submitter. Criteria: Invitae Variant Classification Sherloc (09022015). Collection method: clinical testing. Allele origin: germline.
Comment: This variant has not been reported in the literature in individuals affected with PRPF6-related conditions. This sequence change replaces threonine, which is neutral and polar, with serine, which is neutral and polar, at codon 940 of the PRPF6 protein (p.Thr940Ser). This variant is present in population databases (no rsID available, gnomAD 0.0009%). Algorithms developed to predict the effect of missense changes on protein structure and function (SIFT, PolyPhen-2, Align-GVGD) all suggest that this variant is likely to be tolerated. In summary, the available evidence is currently insufficient to determine the role of this variant in disease. Therefore, it has been classified as a Variant of Uncertain Significance.

NM_012469.4(PRPF6):c.2819C>G (p.Thr940Ser)

Gene: PRPF6 (pre-mRNA processing factor 6; plus strand). Cytogenetic location: 20q13.33.
Variant type: single nucleotide variant.
Coding change: c.2819C>G on transcript NM_012469.4 (MANE Select); coding-DNA position 2819, C replaced by G.
Protein change: p.Thr940Ser; replaces threonine 940 with serine.
Molecular consequence: missense variant.
Genome position (GRCh38, 1-based): chr20:64,032,986, C>G. VCF-style: chr20-64032986-C-G. GRCh37 (hg19) VCF-style: chr20-62664339-C-G.
Other names: short protein forms T940S.
Identifiers: ClinVar variation 1445915 (VCV001445915.6), dbSNP rs1555921755, ClinGen allele CA9972606.
Genomic context (GRCh38, chr20:64,032,986, plus strand): 5'-CCAACTGGCAGAAGAAGATCGGGGACATCCTTAGGCTGGTGGCCGGCCGCATCAAGAACA[C>G]CTTCTGATTGAGCGGTTGCCATGGCCGGTCTCCGTGGGGCAGGGTTGGGCCGCATGTGGA-3'
Protein context (NP_036601.2, residues 930-941): LRLVAGRIKN[Thr940Ser]F